The following is an entry in ClinVar:

NM_023067.4(FOXL2):c.43del (p.Leu15fs)

Gene: FOXL2 (forkhead box L2; minus strand). Cytogenetic location: 3q22.3.
Variant type: Deletion.
Coding change: c.43del on transcript NM_023067.4 (MANE Select); coding-DNA position 43, one base deleted (C; older notation c.43delC).
Protein change: p.Leu15fs; shifts the reading frame from leucine 15.
Molecular consequence: frameshift variant.
Genome position (GRCh38, 1-based): chr3:138,946,680, G deleted on the plus strand (C on the coding strand, the reverse complement: FOXL2 is on the minus strand); the first of 3 consecutive G bases (chr3:138,946,680-138,946,682); deleting any one gives the same sequence. VCF-style (leftmost placement, unchanged base first): chr3-138946679-AG-A. GRCh37 (hg19) VCF-style: chr3-138665521-AG-A.
Other names: short protein forms L15fs.
Identifiers: ClinVar variation 369887 (VCV000369887.1), dbSNP rs1057516140, ClinGen allele CA10654907.

ClinVar aggregate classification (germline): Pathogenic (1 of 4 stars; one submission).

Conditions:
Blepharophimosis, ptosis, and epicanthus inversus syndrome. Identifiers: Orphanet 126, MedGen C0220663, MONDO:0007201, OMIM 110100.

Submission:

Genomic Diagnostic Laboratory, Division of Genomic Diagnostics, Children's Hospital of Philadelphia
Classification: Pathogenic for Blepharophimosis, ptosis, and epicanthus inversus syndrome. Last evaluated: 2016-11-03. Review status: criteria provided, single submitter. Criteria: DGD Variant Analysis Guidelines. Collection method: clinical testing. Allele origin: germline. Affected: yes. Observed: 1 variant allele.
Comment: Clinical Testing